The following is an entry in ClinVar:

NM_002880.4(RAF1):c.1273G>A (p.Glu425Lys)

Gene: RAF1 (Raf-1 proto-oncogene, serine/threonine kinase; minus strand). Cytogenetic location: 3p25.2.
Variant type: single nucleotide variant.
Coding change: c.1273G>A on transcript NM_002880.4 (MANE Select); coding-DNA position 1273, G replaced by A.
Protein change: p.Glu425Lys; replaces glutamic acid 425 with lysine.
Molecular consequence: missense variant. On other transcripts: non-coding transcript variant (3).
Genome position (GRCh38, 1-based): chr3:12,590,895, C>T on the plus strand (G>A on the coding strand, the complement: RAF1 is on the minus strand). VCF-style: chr3-12590895-C-T. GRCh37 (hg19) VCF-style: chr3-12632394-C-T.
Other names: c.1333G>A, p.Glu445Lys (NM_001354689.3); c.1273G>A, p.Glu425Lys (NM_001354690.3); c.1030G>A, p.Glu344Lys (NM_001354691.3, NM_001354692.3); c.1174G>A, p.Glu392Lys (NM_001354693.3); c.1090G>A, p.Glu364Lys (NM_001354694.3); c.931G>A, p.Glu311Lys (NM_001354695.3); short protein forms E344K, E445K, E392K, E425K, E364K, E311K.
Identifiers: ClinVar variation 3017775 (VCV003017775.4), dbSNP rs3729929, ClinGen allele CA351502164.

ClinVar aggregate classification (germline): Uncertain significance. Review status: criteria provided, multiple submitters, no conflicts (2 of 4 stars). 2 submissions from 2 submitters: Uncertain significance (2). Last evaluated 2026-07-04.

Conditions:
RASopathy. Also called: rasopathies; Noonan spectrum disorder. Identifiers: Orphanet 536391, MedGen C5555857, MONDO:0021060.
Cardiovascular phenotype. Identifiers: MedGen CN230736.

Allele frequency attached by ClinVar (database versions not stated): gnomAD exomes below 0.00001.
gnomAD v4.1: 1 of 1,613,160 alleles (0.000062%); highest among the groups gnomAD compares: Non-Finnish European, 0.000085%; no homozygotes.

Submissions (2):

Ambry Genetics
Classification: Uncertain significance for Cardiovascular phenotype. Last evaluated: 2026-07-04. Review status: criteria provided, single submitter. Criteria: Ambry Variant Classification Scheme 2023. Collection method: clinical testing. Allele origin: germline.
Comment: The p.E425K variant (also known as c.1273G>A), located in coding exon 11 of the RAF1 gene, results from a G to A substitution at nucleotide position 1273. The glutamic acid at codon 425 is replaced by lysine, an amino acid with similar properties. This amino acid position is conserved. In addition, this alteration is predicted to be deleterious by in silico analysis. Based on the available evidence, the clinical significance of this variant remains unclear.

Labcorp Genetics (formerly Invitae), Labcorp
Classification: Uncertain significance for RASopathy. Last evaluated: 2024-06-25. Review status: criteria provided, single submitter. Criteria: Invitae Variant Classification Sherloc (09022015). Collection method: clinical testing. Allele origin: germline.
Comment: This sequence change replaces glutamic acid, which is acidic and polar, with lysine, which is basic and polar, at codon 425 of the RAF1 protein (p.Glu425Lys). This variant is not present in population databases (gnomAD no frequency). This variant has not been reported in the literature in individuals affected with RAF1-related conditions. Advanced modeling of protein sequence and biophysical properties (such as structural, functional, and spatial information, amino acid conservation, physicochemical variation, residue mobility, and thermodynamic stability) performed at Invitae indicates that this missense variant is expected to disrupt RAF1 protein function with a positive predictive value of 95%. In summary, the available evidence is currently insufficient to determine the role of this variant in disease. Therefore, it has been classified as a Variant of Uncertain Significance.